The following is an entry in ClinVar:

NM_006231.4(POLE):c.6187TTC[1] (p.Phe2064del)

Gene: POLE (DNA polymerase epsilon, catalytic subunit; minus strand). Cytogenetic location: 12q24.33.
Variant type: Microsatellite.
Coding change: c.6187TTC[1] on transcript NM_006231.4 (MANE Select); one copy of the 3-base unit TTC starting at c.6187; the reference has two copies in a row; one copy, 3 bases deleted.
Protein change: p.Phe2064del; deletes phenylalanine 2064.
Molecular consequence: inframe deletion.
Genome position (GRCh38, 1-based): chr12:132,632,453-132,632,455, GAA deleted on the plus strand (TTC on the coding strand, the reverse complement: POLE is on the minus strand); deleting any 3 consecutive bases within chr12:132,632,453-132,632,459 gives the same sequence; the position shown is the placement nearest the transcript's 3' end. VCF-style (leftmost placement, unchanged base first): chr12-132632452-TGAA-T. GRCh37 (hg19) VCF-style: chr12-133209038-TGAA-T.
Other names: short protein forms F2064del.
Identifiers: ClinVar variation 2135760 (VCV002135760.4), dbSNP rs2541854462, ClinGen allele CA2580614602.

ClinVar aggregate classification (germline): Uncertain significance (1 of 4 stars; one submission).

Submission:

Labcorp Genetics (formerly Invitae), Labcorp
Classification: Uncertain significance. Last evaluated: 2022-11-23. Review status: criteria provided, single submitter. Criteria: Invitae Variant Classification Sherloc (09022015). Collection method: clinical testing. Allele origin: germline.
Comment: This variant, c.6190_6192del, results in the deletion of 1 amino acid(s) of the POLE protein (p.Phe2064del), but otherwise preserves the integrity of the reading frame. This variant is not present in population databases (gnomAD no frequency). This variant has not been reported in the literature in individuals affected with POLE-related conditions. Algorithms developed to predict the effect of sequence changes on RNA splicing suggest that this variant may disrupt the consensus splice site. In summary, the available evidence is currently insufficient to determine the role of this variant in disease. Therefore, it has been classified as a Variant of Uncertain Significance.